The following is an entry in ClinVar:

NM_000038.6(APC):c.4559T>A (p.Val1520Glu)

Gene: APC (APC regulator of Wnt signaling pathway; plus strand). Cytogenetic location: 5q22.2.
Variant type: single nucleotide variant.
Coding change: c.4559T>A on transcript NM_000038.6 (MANE Select); coding-DNA position 4559, T replaced by A.
Protein change: p.Val1520Glu; replaces valine 1520 with glutamic acid.
Molecular consequence: missense variant.
Genome position (GRCh38, 1-based): chr5:112,840,153, T>A. VCF-style: chr5-112840153-T-A. GRCh37 (hg19) VCF-style: chr5-112175850-T-A.
Other names: c.4559T>A, p.Val1520Glu (NM_001127510.3, NM_001354895.2); c.4505T>A, p.Val1502Glu (NM_001127511.3); c.4613T>A, p.Val1538Glu (NM_001354896.2); c.4589T>A, p.Val1530Glu (NM_001354897.2); c.4484T>A, p.Val1495Glu (NM_001354898.2); c.4475T>A, p.Val1492Glu (NM_001354899.2); c.4436T>A, p.Val1479Glu (NM_001354900.2); c.4382T>A, p.Val1461Glu (NM_001354901.2); and 6 more; short protein forms V1419E, V1461E, V1530E, V1360E, V1495E, V1520E, V1538E, V1394E.
Identifiers: ClinVar variation 1355912 (VCV001355912.9), dbSNP rs2149917552, ClinGen allele CA16031312.
Genomic context (GRCh38, chr5:112,840,153, plus strand): 5'-TTTCTTGTTCATCCAGCCTGAGTGCTCTGAGCCTCGATGAGCCATTTATACAGAAAGATG[T>A]GGAATTAAGAATAATGCCTCCAGTTCAGGAAAATGACAATGGGAATGAAACAGAATCAGA-3'
Protein context (NP_000029.2, residues 1510-1530): SLDEPFIQKD[Val1520Glu]ELRIMPPVQE

ClinVar aggregate classification (germline): Uncertain significance. Review status: criteria provided, multiple submitters, no conflicts (2 of 4 stars). 2 submissions from 2 submitters: Uncertain significance (2). Last evaluated 2026-07-01.

Conditions:
Hereditary cancer-predisposing syndrome. Also called: Hereditary Cancer Syndrome; Neoplastic Syndromes, Hereditary; Hereditary neoplastic syndrome; Tumor predisposition. Identifiers: Orphanet 140162, MedGen C0027672, MeSH D009386, MONDO:0015356.
Familial adenomatous polyposis 1 (FAP1). Also called: FAMILIAL ADENOMATOUS POLYPOSIS 1, ATTENUATED; POLYPOSIS, ADENOMATOUS INTESTINAL. Identifiers: MedGen C2713442, MONDO:0021056, OMIM 175100. Disease mechanism: loss of function.

gnomAD v4.1: 1 of 1,614,080 alleles (0.000062%); highest among the groups gnomAD compares: Non-Finnish European, 0.000085%; no homozygotes.

Submissions (2):

Ambry Genetics
Classification: Uncertain significance for Hereditary cancer-predisposing syndrome. Last evaluated: 2026-07-01. Review status: criteria provided, single submitter. Criteria: Ambry Variant Classification Scheme 2023. Collection method: clinical testing. Allele origin: germline.
Comment: The p.V1520E variant (also known as c.4559T>A), located in coding exon 15 of the APC gene, results from a T to A substitution at nucleotide position 4559. The valine at codon 1520 is replaced by glutamic acid, an amino acid with dissimilar properties. This amino acid position is conserved. In addition, in silico predictors for this gene do not accurately predict pathogenicity. Based on the available evidence, the clinical significance of this variant remains unclear.

Labcorp Genetics (formerly Invitae), Labcorp
Classification: Uncertain significance for Familial adenomatous polyposis 1. Last evaluated: 2023-10-16. Review status: criteria provided, single submitter. Criteria: Invitae Variant Classification Sherloc (09022015). Collection method: clinical testing. Allele origin: germline.
Comment: This sequence change replaces valine, which is neutral and non-polar, with glutamic acid, which is acidic and polar, at codon 1520 of the APC protein (p.Val1520Glu). This variant is not present in population databases (gnomAD no frequency). This variant has not been reported in the literature in individuals affected with APC-related conditions. ClinVar contains an entry for this variant (Variation ID: 1355912). Advanced modeling of protein sequence and biophysical properties (such as structural, functional, and spatial information, amino acid conservation, physicochemical variation, residue mobility, and thermodynamic stability) performed at Invitae indicates that this missense variant is not expected to disrupt APC protein function. In summary, the available evidence is currently insufficient to determine the role of this variant in disease. Therefore, it has been classified as a Variant of Uncertain Significance.